The following is an entry in ClinVar:

NM_002618.4(PEX13):c.595T>A (p.Leu199Ile)

Gene: PEX13 (peroxisomal biogenesis factor 13; plus strand). Cytogenetic location: 2p15.
Variant type: single nucleotide variant.
Coding change: c.595T>A on transcript NM_002618.4 (MANE Select); coding-DNA position 595, T replaced by A.
Protein change: p.Leu199Ile; replaces leucine 199 with isoleucine.
Molecular consequence: missense variant.
Genome position (GRCh38, 1-based): chr2:61,031,921, T>A. VCF-style: chr2-61031921-T-A. GRCh37 (hg19) VCF-style: chr2-61259056-T-A.
Other names: short protein forms L199I.
Identifiers: ClinVar variation 1366013 (VCV001366013.4), dbSNP rs565873587, ClinGen allele CA1673320.

ClinVar aggregate classification (germline): Uncertain significance. Review status: criteria provided, multiple submitters, no conflicts (2 of 4 stars). 2 submissions from 2 submitters: Uncertain significance (2). Last evaluated 2022-06-13.

Conditions:
Peroxisome biogenesis disorder 11A (Zellweger). Also called: Peroxisome biogenesis disorder 11A. Identifiers: Orphanet 912, MedGen C3554000, MONDO:0013949, OMIM 614883.
Peroxisome biogenesis disorder 11B (PBD11B). Identifiers: Orphanet 44, MedGen C3554001, MONDO:0013950, OMIM 614885.

Allele frequency attached by ClinVar (database versions not stated): gnomAD 0.00001; ExAC 0.00002; gnomAD exomes 0.00002; TOPMed 0.00002; 1000 Genomes Project 30x 0.00016; 1000 Genomes Project 0.00020.
gnomAD v4.1: 8 of 1,614,044 alleles (0.0005%); highest among the groups gnomAD compares: East Asian, 0.016%; no homozygotes.

Submissions (2):

Labcorp Genetics (formerly Invitae), Labcorp
Classification: Uncertain significance for Peroxisome biogenesis disorder 11A (Zellweger). Last evaluated: 2022-06-13. Review status: criteria provided, single submitter. Criteria: Invitae Variant Classification Sherloc (09022015). Collection method: clinical testing. Allele origin: germline.
Comment: This sequence change replaces leucine, which is neutral and non-polar, with isoleucine, which is neutral and non-polar, at codon 199 of the PEX13 protein (p.Leu199Ile). This variant is present in population databases (rs565873587, gnomAD 0.03%). This variant has not been reported in the literature in individuals affected with PEX13-related conditions. Algorithms developed to predict the effect of missense changes on protein structure and function output the following: SIFT: "Tolerated"; PolyPhen-2: "Benign"; Align-GVGD: "Class C0". The isoleucine amino acid residue is found in multiple mammalian species, which suggests that this missense change does not adversely affect protein function. In summary, the available evidence is currently insufficient to determine the role of this variant in disease. Therefore, it has been classified as a Variant of Uncertain Significance.

Fulgent Genetics
Classification: Uncertain significance for Peroxisome biogenesis disorder 11A (Zellweger); Peroxisome biogenesis disorder 11B. Last evaluated: 2021-12-21. Review status: criteria provided, single submitter. Criteria: ACMG Guidelines, 2015. Collection method: clinical testing. Allele origin: unknown.